The following is an entry in ClinVar:

NM_203475.3(PORCN):c.253G>A (p.Val85Met)

Gene: PORCN (porcupine O-acyltransferase; plus strand). Cytogenetic location: Xp11.23.
Variant type: single nucleotide variant.
Coding change: c.253G>A on transcript NM_203475.3 (MANE Select); coding-DNA position 253, G replaced by A.
Protein change: p.Val85Met; replaces valine 85 with methionine.
Molecular consequence: missense variant.
Genome position (GRCh38, 1-based): chrX:48,511,411, G>A. VCF-style: chrX-48511411-G-A. GRCh37 (hg19) VCF-style: chrX-48369799-G-A.
Other names: c.40G>A, p.Val14Met (NM_001282167.2); c.253G>A, p.Val85Met (NM_022825.4, NM_203473.3, NM_203474.1); short protein forms V14M, V85M.
Identifiers: ClinVar variation 3623259 (VCV003623259.2).

ClinVar aggregate classification (germline): Uncertain significance (1 of 4 stars; one submission).

gnomAD v4.1: 3 of 1,211,178 alleles (0.00025%); highest among the groups gnomAD compares: Non-Finnish European, 0.00034%; no homozygotes.

Submission:

Labcorp Genetics (formerly Invitae), Labcorp
Classification: Uncertain significance. Last evaluated: 2024-11-02. Review status: criteria provided, single submitter. Criteria: Invitae Variant Classification Sherloc (09022015). Collection method: clinical testing. Allele origin: germline.
Comment: This sequence change replaces valine, which is neutral and non-polar, with methionine, which is neutral and non-polar, at codon 85 of the PORCN protein (p.Val85Met). This variant is not present in population databases (gnomAD no frequency). This variant has not been reported in the literature in individuals affected with PORCN-related conditions. Invitae Evidence Modeling of protein sequence and biophysical properties (such as structural, functional, and spatial information, amino acid conservation, physicochemical variation, residue mobility, and thermodynamic stability) indicates that this missense variant is not expected to disrupt PORCN protein function with a negative predictive value of 80%. In summary, the available evidence is currently insufficient to determine the role of this variant in disease. Therefore, it has been classified as a Variant of Uncertain Significance.